The following is an entry in ClinVar:

NM_005033.3(EXOSC9):c.362T>G (p.Leu121Arg)

Gene: EXOSC9 (exosome component 9; plus strand). Cytogenetic location: 4q27.
Variant type: single nucleotide variant.
Coding change: c.362T>G on transcript NM_005033.3 (MANE Select); coding-DNA position 362, T replaced by G.
Protein change: p.Leu121Arg; replaces leucine 121 with arginine.
Molecular consequence: missense variant.
Genome position (GRCh38, 1-based): chr4:121,802,995, T>G. VCF-style: chr4-121802995-T-G. GRCh37 (hg19) VCF-style: chr4-122724150-T-G.
Other names: c.362T>G, p.Leu121Arg (NM_001034194.2); short protein forms L121R.
Identifiers: ClinVar variation 1350307 (VCV001350307.8), dbSNP rs2149034018, ClinGen allele CA358042272.

ClinVar aggregate classification (germline): Uncertain significance (1 of 4 stars; one submission).

Submission:

Labcorp Genetics (formerly Invitae), Labcorp
Classification: Uncertain significance. Last evaluated: 2021-04-30. Review status: criteria provided, single submitter. Criteria: Invitae Variant Classification Sherloc (09022015). Collection method: clinical testing. Allele origin: germline.
Comment: In summary, the available evidence is currently insufficient to determine the role of this variant in disease. Therefore, it has been classified as a Variant of Uncertain Significance. Algorithms developed to predict the effect of missense changes on protein structure and function (SIFT, PolyPhen-2, Align-GVGD) all suggest that this variant is likely to be disruptive, but these predictions have not been confirmed by published functional studies and their clinical significance is uncertain. This variant has not been reported in the literature in individuals with EXOSC9-related conditions. This variant is not present in population databases (ExAC no frequency). This sequence change replaces leucine with arginine at codon 121 of the EXOSC9 protein (p.Leu121Arg). The leucine residue is highly conserved and there is a moderate physicochemical difference between leucine and arginine.